The following is an entry in ClinVar:

ClinVar aggregate classification (germline): Uncertain significance (1 of 4 stars; one submission).

Conditions:
Dilated cardiomyopathy 1Z (CMD1Z). Identifiers: Orphanet 154, MedGen C2678475, MONDO:0012745, OMIM 611879.
Hypertrophic cardiomyopathy 13. Also called: TNNC1-Related Familial Hypertrophic Cardiomyopathy. Identifiers: MedGen C2750472, MONDO:0013195, OMIM 613243.

Submission:

Labcorp Genetics (formerly Invitae), Labcorp
Classification: Uncertain significance for Hypertrophic cardiomyopathy 13; Dilated cardiomyopathy 1Z. Last evaluated: 2023-04-25. Review status: criteria provided, single submitter. Criteria: Invitae Variant Classification Sherloc (09022015). Collection method: clinical testing. Allele origin: germline.
Comment: This sequence change replaces glutamine, which is neutral and polar, with histidine, which is basic and polar, at codon 50 of the TNNC1 protein (p.Gln50His). In summary, the available evidence is currently insufficient to determine the role of this variant in disease. Therefore, it has been classified as a Variant of Uncertain Significance. This variant disrupts the p.Gln50 amino acid residue in TNNC1. Other variant(s) that disrupt this residue have been determined to be pathogenic (PMID: 20458010, 24558114, 28533433). This suggests that this residue is clinically significant, and that variants that disrupt this residue are likely to be disease-causing. An algorithm developed to predict the effect of missense changes on protein structure and function (PolyPhen-2) suggests that this variant is likely to be disruptive. This variant has not been reported in the literature in individuals affected with TNNC1-related conditions. This variant is not present in population databases (gnomAD no frequency).

Literature cited by the submitters: PubMed 20458010; PubMed 24558114; PubMed 28533433.

NM_003280.3(TNNC1):c.150G>T (p.Gln50His)

Gene: TNNC1 (troponin C1, slow skeletal and cardiac type; minus strand). Cytogenetic location: 3p21.1.
Variant type: single nucleotide variant.
Coding change: c.150G>T on transcript NM_003280.3 (MANE Select); coding-DNA position 150, G replaced by T.
Protein change: p.Gln50His; replaces glutamine 50 with histidine.
Molecular consequence: missense variant.
Genome position (GRCh38, 1-based): chr3:52,452,158, C>A on the plus strand (G>T on the coding strand, the complement: TNNC1 is on the minus strand). VCF-style: chr3-52452158-C-A. GRCh37 (hg19) VCF-style: chr3-52486174-C-A.
Other names: short protein forms Q50H.
Identifiers: ClinVar variation 2947089 (VCV002947089.3), dbSNP rs2471444628, ClinGen allele CA353168631.